The following is an entry in ClinVar:

NM_004523.4(KIF11):c.1706A>G (p.Asn569Ser)

Gene: KIF11 (kinesin family member 11; plus strand). Cytogenetic location: 10q23.33.
Variant type: single nucleotide variant.
Coding change: c.1706A>G on transcript NM_004523.4 (MANE Select); coding-DNA position 1706, A replaced by G.
Protein change: p.Asn569Ser; replaces asparagine 569 with serine.
Molecular consequence: missense variant.
Genome position (GRCh38, 1-based): chr10:92,633,626, A>G. VCF-style: chr10-92633626-A-G. GRCh37 (hg19) VCF-style: chr10-94393383-A-G.
Other names: short protein forms N569S.
Identifiers: ClinVar variation 771176 (VCV000771176.21), dbSNP rs148976883, ClinGen allele CA5604259.
Genomic context (GRCh38, chr10:92,633,626, plus strand): 5'-ACGGTATTTAATATATTTATGTCAAAGTTTACATCTTTCTGTTTTTGTTTGTTATAGGTA[A>G]TCTGCTGTCTTCCAGTGTCTCTGCATTAGATACCATTACTACAGTAGCACTTGGATCTCT-3'
Protein context (NP_004514.2, residues 559-579): MLEVHKTLFG[Asn569Ser]LLSSSVSALD

ClinVar aggregate classification (germline): Likely benign. Review status: criteria provided, multiple submitters, no conflicts (2 of 4 stars). 7 submissions from 7 submitters: Likely benign (4). 3 of the submissions do not count toward it. Last evaluated 2026-09-01.

Conditions:
KIF11-related disorder. Also called: KIF11-related condition.

Allele frequency attached by ClinVar (database versions not stated): ESP Exome Variant Server 0.00115; gnomAD exomes 0.00118 and 0.00087; 1000 Genomes Project 30x 0.00078; 1000 Genomes Project 0.00080; gnomAD 0.00091 and 0.00098; ExAC 0.00096; TOPMed 0.00098.
gnomAD v4.1: 1,841 of 1,598,574 alleles (0.12%); highest among the groups gnomAD compares: Non-Finnish European, 0.15%; 5 homozygotes.

Submissions (12):

CeGaT Center for Human Genetics Tuebingen
Classification: Likely benign. Last evaluated: 2026-09-01. Review status: criteria provided, single submitter. Criteria: CeGaT Center For Human Genetics Tuebingen Variant Classification Criteria Version 2. Collection method: clinical testing. Allele origin: germline. Affected: yes. Observed: 2 variant alleles.
Comment: KIF11: BP4, BS1

Labcorp Genetics (formerly Invitae), Labcorp
Classification: Likely benign. Last evaluated: 2026-01-26. Review status: criteria provided, single submitter. Criteria: Invitae Variant Classification Sherloc (09022015). Collection method: clinical testing. Allele origin: germline.

Blueprint Genetics
Classification: Likely benign. Last evaluated: 2024-11-22. Review status: criteria provided, single submitter. Criteria: ACMG Guidelines, 2015. Collection method: clinical testing. Allele origin: germline.

Breakthrough Genomics
Classification: Likely benign. Review status: criteria provided, single submitter. Criteria: ACMG Guidelines, 2015. Collection method: not provided. Allele origin: germline. Inheritance: Autosomal dominant inheritance. Affected: yes.

PreventionGenetics, part of Exact Sciences
Classification: Likely benign for KIF11-related condition. Last evaluated: 2022-10-26. Review status: no assertion criteria provided. Collection method: clinical testing. Allele origin: germline. Not counted in ClinVar's aggregate classification.
Comment: This variant is classified as likely benign based on ACMG/AMP sequence variant interpretation guidelines (Richards et al. 2015 PMID: 25741868, with internal and published modifications).

Clinical Genetics DNA and cytogenetics Diagnostics Lab, Erasmus MC, Erasmus Medical Center
Classification: Likely benign. Review status: no assertion criteria provided. Collection method: clinical testing. Allele origin: germline. Affected: yes. Study: VKGL Data-share Consensus. Not counted in ClinVar's aggregate classification.

Clinical Genetics, Academic Medical Center
Classification: Likely benign. Review status: no assertion criteria provided. Collection method: clinical testing. Allele origin: germline. Affected: yes. Study: VKGL Data-share Consensus. Not counted in ClinVar's aggregate classification.

Dr. Peter K. Rogan Lab, Western University
No classification provided (evidence only). Condition: Clear cell carcinoma of kidney. Review status: no classification provided. Collection method: in vitro. Allele origin: not applicable. Functional consequence: retained intron. Not counted in ClinVar's aggregate classification.

Dr. Peter K. Rogan Lab, Western University
No classification provided (evidence only). Condition: Melanoma. Review status: no classification provided. Collection method: in vitro. Allele origin: not applicable. Functional consequence: retained intron. Not counted in ClinVar's aggregate classification.

Dr. Peter K. Rogan Lab, Western University
No classification provided (evidence only). Condition: Acute myeloid leukemia. Review status: no classification provided. Collection method: in vitro. Allele origin: not applicable. Functional consequence: retained intron. Not counted in ClinVar's aggregate classification.

Dr. Peter K. Rogan Lab, Western University
No classification provided (evidence only). Condition: Gastric cancer. Review status: no classification provided. Collection method: in vitro. Allele origin: not applicable. Functional consequence: retained intron. Not counted in ClinVar's aggregate classification.

Dr. Peter K. Rogan Lab, Western University
No classification provided (evidence only). Condition: Malignant tumor of esophagus. Review status: no classification provided. Collection method: in vitro. Allele origin: not applicable. Functional consequence: retained intron. Not counted in ClinVar's aggregate classification.